The following is an entry in ClinVar:

NM_001103.4(ACTN2):c.886T>G (p.Trp296Gly)

Gene: ACTN2 (actinin alpha 2; plus strand). Cytogenetic location: 1q43.
Variant type: single nucleotide variant.
Coding change: c.886T>G on transcript NM_001103.4 (MANE Select); coding-DNA position 886, T replaced by G.
Protein change: p.Trp296Gly; replaces tryptophan 296 with glycine.
Molecular consequence: missense variant.
Genome position (GRCh38, 1-based): chr1:236,739,311, T>G. VCF-style: chr1-236739311-T-G. GRCh37 (hg19) VCF-style: chr1-236902611-T-G.
Other names: c.886T>G, p.Trp296Gly (NM_001278343.2); c.262T>G, p.Trp88Gly (NM_001278344.2); short protein forms W88G, W296G.
Identifiers: ClinVar variation 1490568 (VCV001490568.8), dbSNP rs2102922356, ClinGen allele CA345379872.

ClinVar aggregate classification (germline): Uncertain significance (1 of 4 stars; one submission).

Conditions:
Dilated cardiomyopathy 1AA (CMD1AA). Also called: Cardiomyopathy, dilated, 1AA, with or without LVNC; CARDIOMYOPATHY, DILATED, 1AA, WITH OR WITHOUT LEFT VENTRICULAR NONCOMPACTION; CARDIOMYOPATHY, FAMILIAL HYPERTROPHIC, 23, WITH OR WITHOUT LEFT VENTRICULAR NONCOMPACTION. Identifiers: Orphanet 154, MedGen C2677338, MONDO:0012808, OMIM 612158.
Primary familial hypertrophic cardiomyopathy (HCM). Identifiers: Orphanet 99739, MedGen C0949658, MeSH D024741, MONDO:0024573. Inheritance: Various modes of inheritance.

Submission:

Labcorp Genetics (formerly Invitae), Labcorp
Classification: Uncertain significance for Primary familial hypertrophic cardiomyopathy; Dilated cardiomyopathy 1AA. Last evaluated: 2020-12-03. Review status: criteria provided, single submitter. Criteria: Invitae Variant Classification Sherloc (09022015). Collection method: clinical testing. Allele origin: germline.
Comment: In summary, the available evidence is currently insufficient to determine the role of this variant in disease. Therefore, it has been classified as a Variant of Uncertain Significance. Advanced modeling of protein sequence and biophysical properties (such as structural, functional, and spatial information, amino acid conservation, physicochemical variation, residue mobility, and thermodynamic stability) performed at Invitae indicates that this missense variant is not expected to disrupt ACTN2 protein function. This variant has not been reported in the literature in individuals with ACTN2-related conditions. This variant is not present in population databases (ExAC no frequency). This sequence change replaces tryptophan with glycine at codon 296 of the ACTN2 protein (p.Trp296Gly). The tryptophan residue is highly conserved and there is a large physicochemical difference between tryptophan and glycine.